The following is an entry in ClinVar:

NM_014233.4(UBTF):c.1506C>T (p.Ala502=)

Genes: ATXN7L3-AS1 (ATXN7L3 antisense RNA 1; plus strand), UBTF (upstream binding transcription factor; minus strand). Cytogenetic location: 17q21.31.
Variant type: single nucleotide variant.
Coding change: c.1506C>T on transcript NM_014233.4 (MANE Select); coding-DNA position 1506, C replaced by T.
Protein change: p.Ala502=; no amino-acid change (alanine 502 retained).
Molecular consequence: synonymous variant. On other transcripts: non-coding transcript variant (1).
Genome position (GRCh38, 1-based): chr17:44,210,327, G>A on the plus strand (C>T on the coding strand, the complement: UBTF is on the minus strand). VCF-style: chr17-44210327-G-A. GRCh37 (hg19) VCF-style: chr17-42287695-G-A.
Other names: c.1395C>T, p.Ala465= (NM_001076683.2, NM_001076684.3).
Identifiers: ClinVar variation 3035779 (VCV003035779.2), dbSNP rs373251927, ClinGen allele CA8599468.
Genomic context (GRCh38, chr17:44,210,327, plus strand): 5'-GGGTCACCCGGGGCTAGAGGCTGCAGTACTACCCTTTCCCACCCCTGTCACCTTGAAGCG[G>A]GCCAGGTAGTCGCCGATAACGCTCTGTTGCCAGATCTCCTCAGCTCTTTTGGGGGACTCG-3'
Protein context (NP_055048.1, residues 492-512): WQQSVIGDYL[Ala502=]RFKNDRVKAL

ClinVar aggregate classification (germline): Likely benign (0 of 4 stars; one submission).

Conditions:
UBTF-related disorder. Also called: UBTF-related condition.

Allele frequency attached by ClinVar (database versions not stated): ESP Exome Variant Server 0.00015.
gnomAD v4.1: 11 of 1,614,130 alleles (0.00068%); highest among the groups gnomAD compares: African/African-American, 0.0013%; no homozygotes.

Submission:

PreventionGenetics, part of Exact Sciences
Classification: Likely benign for UBTF-related condition. Last evaluated: 2019-08-14. Review status: no assertion criteria provided. Collection method: clinical testing. Allele origin: germline.
Comment: This variant is classified as likely benign based on ACMG/AMP sequence variant interpretation guidelines (Richards et al. 2015 PMID: 25741868, with internal and published modifications).